The following is an entry in ClinVar:

ClinVar aggregate classification (germline): Uncertain significance (1 of 4 stars; one submission).

Submission:

Ambry Genetics
Classification: Uncertain significance. Last evaluated: 2025-10-28. Review status: criteria provided, single submitter. Criteria: Ambry Variant Classification Scheme 2023. Collection method: clinical testing. Allele origin: germline.
Comment: The p.R1747G variant (also known as c.5239C>G), located in coding exon 22 of the WNK2 gene, results from a C to G substitution at nucleotide position 5239. The arginine at codon 1747 is replaced by glycine, an amino acid with dissimilar properties. This amino acid position is conserved. In addition, the in silico prediction for this alteration is inconclusive. Based on the available evidence, the clinical significance of this variant remains unclear.

NM_006648.4(WNK2):c.5239C>G (p.Arg1747Gly)

Gene: WNK2 (WNK lysine deficient protein kinase 2; plus strand). Cytogenetic location: 9q22.31.
Variant type: single nucleotide variant.
Coding change: c.5239C>G on transcript NM_006648.4 (MANE Select); coding-DNA position 5239, C replaced by G.
Protein change: p.Arg1747Gly; replaces arginine 1747 with glycine.
Molecular consequence: missense variant.
Genome position (GRCh38, 1-based): chr9:93,292,704, C>G. VCF-style: chr9-93292704-C-G. GRCh37 (hg19) VCF-style: chr9-96054986-C-G.
Other names: c.5350C>G, p.Arg1784Gly (NM_001282394.3); short protein forms R1784G, R1747G.
Identifiers: ClinVar variation 4605315 (VCV004605315.1).
Genomic context (GRCh38, chr9:93,292,704, plus strand): 5'-GGGTCCCCTCGGAAACGTCCAGAGCAGCAGGATGTCAGCTCACCAGCCAAGACTGTGGGC[C>G]GTTTCTCGGTGGTCAGCACTCAGGACGAGTGGACCCTGGCCTCCCCCCACAGCCTGAGAT-3'
Protein context (NP_006639.3, residues 1737-1757): DVSSPAKTVG[Arg1747Gly]FSVVSTQDEW